The following is an entry in ClinVar:

ClinVar aggregate classification (germline): Uncertain significance (1 of 4 stars; one submission).

Submission:

Labcorp Genetics (formerly Invitae), Labcorp
Classification: Uncertain significance. Last evaluated: 2025-01-20. Review status: criteria provided, single submitter. Criteria: Invitae Variant Classification Sherloc (09022015). Collection method: clinical testing. Allele origin: germline.
Comment: This sequence change replaces glutamic acid, which is acidic and polar, with lysine, which is basic and polar, at codon 140 of the HTRA1 protein (p.Glu140Lys). The frequency data for this variant in the population databases is considered unreliable, as metrics indicate poor data quality at this position in the gnomAD database. This variant has not been reported in the literature in individuals affected with HTRA1-related conditions. Invitae Evidence Modeling of protein sequence and biophysical properties (such as structural, functional, and spatial information, amino acid conservation, physicochemical variation, residue mobility, and thermodynamic stability) indicates that this missense variant is not expected to disrupt HTRA1 protein function with a negative predictive value of 95%. In summary, the available evidence is currently insufficient to determine the role of this variant in disease. Therefore, it has been classified as a Variant of Uncertain Significance.

NM_002775.5(HTRA1):c.418G>A (p.Glu140Lys)

Gene: HTRA1 (HtrA serine peptidase 1; plus strand). Cytogenetic location: 10q26.13.
Variant type: single nucleotide variant.
Coding change: c.418G>A on transcript NM_002775.5 (MANE Select); coding-DNA position 418, G replaced by A.
Protein change: p.Glu140Lys; replaces glutamic acid 140 with lysine.
Molecular consequence: missense variant.
Genome position (GRCh38, 1-based): chr10:122,462,070, G>A. VCF-style: chr10-122462070-G-A. GRCh37 (hg19) VCF-style: chr10-124221586-G-A.
Other names: short protein forms E140K.
Identifiers: ClinVar variation 3700196 (VCV003700196.2).